The following is an entry in ClinVar:

NM_001130965.3(SUN1):c.883T>G (p.Leu295Val)

Gene: SUN1 (Sad1 and UNC84 domain containing 1; plus strand). Cytogenetic location: 7p22.3.
Variant type: single nucleotide variant.
Coding change: c.883T>G on transcript NM_001130965.3 (MANE Select); coding-DNA position 883, T replaced by G.
Protein change: p.Leu295Val; replaces leucine 295 with valine.
Molecular consequence: missense variant. On other transcripts: non-coding transcript variant (3).
Genome position (GRCh38, 1-based): chr7:852,640, T>G. VCF-style: chr7-852640-T-G. GRCh37 (hg19) VCF-style: chr7-892277-T-G.
Other names: c.577T>G, p.Leu193Val (NM_001171944.2); c.994T>G, p.Leu332Val (NM_001367638.1, NM_001367664.1, NM_001367696.1 and 1 more transcripts); c.427T>G, p.Leu143Val (NM_001367639.1); c.883T>G, p.Leu295Val (NM_001367633.1, NM_001367634.1, NM_001367665.1 and 3 more transcripts); c.532T>G, p.Leu178Val (NM_001367635.1); c.1126T>G, p.Leu376Val (NM_001367636.1, NM_001367666.1, NM_001367655.1 and 1 more transcripts); c.1066T>G, p.Leu356Val (NM_001367640.1, NM_001367675.1, NM_001367676.1); c.1165T>G, p.Leu389Val (NM_001367641.1, NM_001367682.1, NM_001367698.1); and 24 more; short protein forms L106V, L143V, L178V, L193V, L212V, L240V, L245V, L249V.
Identifiers: ClinVar variation 4803714 (VCV004803714.1).

ClinVar aggregate classification (germline): Uncertain significance (1 of 4 stars; one submission).

Conditions:
Emery-Dreifuss muscular dystrophy (EDMD). Also called: Scapuloperoneal syndrome, X-linked (formerly); Humeroperoneal neuromuscular disease, (formerly). Identifiers: Orphanet 261, MedGen C0410189, MONDO:0016830.

gnomAD v4.1: 50 of 1,614,258 alleles (0.0031%); highest among the groups gnomAD compares: South Asian, 0.054%; no homozygotes.

Submission:

Labcorp Genetics (formerly Invitae), Labcorp
Classification: Uncertain significance for Emery-Dreifuss muscular dystrophy. Last evaluated: 2025-12-17. Review status: criteria provided, single submitter. Criteria: Invitae Variant Classification Sherloc (09022015). Collection method: clinical testing. Allele origin: germline.
Comment: This sequence change replaces leucine, which is neutral and non-polar, with valine, which is neutral and non-polar, at codon 295 of the SUN1 protein (p.Leu295Val). This variant is present in population databases (rs759595914, gnomAD 0.04%). This variant has not been reported in the literature in individuals affected with SUN1-related conditions. An algorithm developed to predict the effect of missense changes on protein structure and function outputs the following: PolyPhen-2: "Benign". The valine amino acid residue is found in multiple mammalian species, which suggests that this missense change does not adversely affect protein function. In summary, the available evidence is currently insufficient to determine the role of this variant in disease. Therefore, it has been classified as a Variant of Uncertain Significance.